The following is an entry in ClinVar:

NM_001160148.2(DDHD1):c.1426G>A (p.Val476Ile)

Gene: DDHD1 (DDHD domain containing 1; minus strand). Cytogenetic location: 14q22.1.
Variant type: single nucleotide variant.
Coding change: c.1426G>A on transcript NM_001160148.2 (MANE Select); coding-DNA position 1426, G replaced by A.
Protein change: p.Val476Ile; replaces valine 476 with isoleucine.
Molecular consequence: missense variant.
Genome position (GRCh38, 1-based): chr14:53,072,674, C>T on the plus strand (G>A on the coding strand, the complement: DDHD1 is on the minus strand). VCF-style: chr14-53072674-C-T. GRCh37 (hg19) VCF-style: chr14-53539392-C-T.
Other names: c.1447G>A, p.Val483Ile (NM_001160147.2); c.1426G>A, p.Val476Ile (NM_030637.3); short protein forms V476I, V483I.
Identifiers: ClinVar variation 2117317 (VCV002117317.4), dbSNP rs748624856, ClinGen allele CA7191231.
Genomic context (GRCh38, chr14:53,072,674, plus strand): 5'-GACTAGTATAATACATTATGTCCATTGCACTGCTGTTCAGCATATCCCTTAAACCTCGTA[C>T]TTTGTCAGGAGTAATGGAATCAACAGTGTCTACAAAAACAAACAAAAAAAGCAAGTTAAC-3'
Protein context (NP_001153620.1, residues 466-486): DTVDSITPDK[Val476Ile]RGLRDMLNSS

ClinVar aggregate classification (germline): Uncertain significance (1 of 4 stars; one submission).

Conditions:
Hereditary spastic paraplegia 28. Also called: Spastic paraplegia 28, autosomal recessive. Identifiers: Orphanet 101008, MedGen C1836295, MONDO:0012256, OMIM 609340.

Allele frequency attached by ClinVar (database versions not stated): gnomAD exomes below 0.00001; ExAC 0.00001.
gnomAD v4.1: 1 of 1,610,004 alleles (0.000062%); highest among the groups gnomAD compares: Admixed American, 0.0017%; no homozygotes.

Submission:

Labcorp Genetics (formerly Invitae), Labcorp
Classification: Uncertain significance for Hereditary spastic paraplegia 28. Last evaluated: 2022-04-06. Review status: criteria provided, single submitter. Criteria: Invitae Variant Classification Sherloc (09022015). Collection method: clinical testing. Allele origin: germline.
Comment: In summary, the available evidence is currently insufficient to determine the role of this variant in disease. Therefore, it has been classified as a Variant of Uncertain Significance. Algorithms developed to predict the effect of missense changes on protein structure and function are either unavailable or do not agree on the potential impact of this missense change (SIFT: "Tolerated"; PolyPhen-2: "Probably Damaging"; Align-GVGD: "Class C0"). This variant has not been reported in the literature in individuals affected with DDHD1-related conditions. This variant is present in population databases (rs748624856, gnomAD 0.003%). This sequence change replaces valine, which is neutral and non-polar, with isoleucine, which is neutral and non-polar, at codon 483 of the DDHD1 protein (p.Val483Ile).